The following is an entry in ClinVar:

NM_014339.7(IL17RA):c.133C>A (p.Gln45Lys)

Gene: IL17RA (interleukin 17 receptor A; plus strand). Cytogenetic location: 22q11.1.
Variant type: single nucleotide variant.
Coding change: c.133C>A on transcript NM_014339.7 (MANE Select); coding-DNA position 133, C replaced by A.
Protein change: p.Gln45Lys; replaces glutamine 45 with lysine.
Molecular consequence: missense variant.
Genome position (GRCh38, 1-based): chr22:17,085,224, C>A. VCF-style: chr22-17085224-C-A. GRCh37 (hg19) VCF-style: chr22-17566114-C-A.
Other names: c.133C>A, p.Gln45Lys (NM_001289905.2); c.133C>A (NM_014339.5); short protein forms Q45K.
Identifiers: ClinVar variation 575944 (VCV000575944.12), dbSNP rs1006074686, ClinGen allele CA321139776.
Genomic context (GRCh38, chr22:17,085,224, plus strand): 5'-GTGCTGGCCCCGGGTGGCGCCTCCCTGCGACTCCTGGACCACCGGGCGCTGGTCTGCTCC[C>A]AGCCGGTGAGACTCGACGTGGGGAGCGGTAGCCGCCAGGATGCTGCGGACGCGGGGCAAG-3'
Protein context (NP_055154.3, residues 35-55): LLDHRALVCS[Gln45Lys]PGLNCTVKNS

ClinVar aggregate classification (germline): Uncertain significance. Review status: criteria provided, multiple submitters, no conflicts (2 of 4 stars). 2 submissions from 2 submitters: Uncertain significance (2). Last evaluated 2023-04-25.

Conditions:
Immunodeficiency 51 (IMD51). Also called: CANDIDIASIS, FAMILIAL, 5. Identifiers: Orphanet 1334, MedGen C4310803, MONDO:0013500, OMIM 613953.

Allele frequency attached by ClinVar (database versions not stated): gnomAD exomes below 0.00001 and 0.00001; gnomAD 0.00016; TOPMed 0.00022.
gnomAD v4.1: 23 of 1,537,960 alleles (0.0015%); highest among the groups gnomAD compares: Non-Finnish European, 0.000087%; 2 homozygotes.

Submissions (2):

Ambry Genetics
Classification: Uncertain significance. Last evaluated: 2023-04-25. Review status: criteria provided, single submitter. Criteria: Ambry Variant Classification Scheme 2023. Collection method: clinical testing. Allele origin: germline.

Labcorp Genetics (formerly Invitae), Labcorp
Classification: Uncertain significance for Immunodeficiency 51. Last evaluated: 2022-09-13. Review status: criteria provided, single submitter. Criteria: Invitae Variant Classification Sherloc (09022015). Collection method: clinical testing. Allele origin: germline.
Comment: This variant has not been reported in the literature in individuals affected with IL17RA-related conditions. ClinVar contains an entry for this variant (Variation ID: 575944). Algorithms developed to predict the effect of missense changes on protein structure and function (SIFT, PolyPhen-2, Align-GVGD) all suggest that this variant is likely to be tolerated. In summary, the available evidence is currently insufficient to determine the role of this variant in disease. Therefore, it has been classified as a Variant of Uncertain Significance. The frequency data for this variant in the population databases is considered unreliable, as metrics indicate poor data quality at this position in the gnomAD database. This sequence change replaces glutamine, which is neutral and polar, with lysine, which is basic and polar, at codon 45 of the IL17RA protein (p.Gln45Lys).